The following is an entry in ClinVar:

ClinVar aggregate classification (germline): Uncertain significance (1 of 4 stars; one submission).

Allele frequency attached by ClinVar (database versions not stated): TOPMed below 0.00001; gnomAD 0.00001.
gnomAD v4.1: 1 of 1,614,062 alleles (0.000062%); highest among the groups gnomAD compares: African/African-American, 0.0013%; no homozygotes.

Submission:

Ambry Genetics
Classification: Uncertain significance. Last evaluated: 2022-04-20. Review status: criteria provided, single submitter. Criteria: Ambry Variant Classification Scheme 2023. Collection method: clinical testing. Allele origin: germline.
Comment: The p.G289A variant (also known as c.866G>C), located in coding exon 6 of the IDH1 gene, results from a G to C substitution at nucleotide position 866. The glycine at codon 289 is replaced by alanine, an amino acid with similar properties. This amino acid position is conserved. In addition, this alteration is predicted to be deleterious by in silico analysis. Since supporting evidence is limited at this time, the clinical significance of this alteration remains unclear.

NM_005896.4(IDH1):c.866G>C (p.Gly289Ala)

Gene: IDH1 (isocitrate dehydrogenase (NADP(+)) 1; minus strand). Cytogenetic location: 2q34.
Variant type: single nucleotide variant.
Coding change: c.866G>C on transcript NM_005896.4 (MANE Select); coding-DNA position 866, G replaced by C.
Protein change: p.Gly289Ala; replaces glycine 289 with alanine.
Molecular consequence: missense variant.
Genome position (GRCh38, 1-based): chr2:208,239,988, C>G on the plus strand (G>C on the coding strand, the complement: IDH1 is on the minus strand). VCF-style: chr2-208239988-C-G. GRCh37 (hg19) VCF-style: chr2-209104712-C-G.
Other names: c.866G>C, p.Gly289Ala (NM_001282386.1, NM_001282387.1); short protein forms G289A.
Identifiers: ClinVar variation 1764241 (VCV001764241.2), dbSNP rs1442458731, ClinGen allele CA350095538.